The following is an entry in ClinVar:

ClinVar aggregate classification (germline): Uncertain significance (1 of 4 stars; one submission).

Allele frequency attached by ClinVar (database versions not stated): gnomAD exomes below 0.00001; gnomAD 0.00001.
gnomAD v4.1: 6 of 1,613,400 alleles (0.00037%); highest among the groups gnomAD compares: Non-Finnish European, 0.00042%; no homozygotes.

Submission:

Labcorp Genetics (formerly Invitae), Labcorp
Classification: Uncertain significance. Last evaluated: 2020-06-13. Review status: criteria provided, single submitter. Criteria: Invitae Variant Classification Sherloc (09022015). Collection method: clinical testing. Allele origin: germline.
Comment: This sequence change replaces serine with cysteine at codon 1598 of the KIAA1549 protein (p.Ser1598Cys). The serine residue is highly conserved and there is a moderate physicochemical difference between serine and cysteine. This variant is not present in population databases (ExAC no frequency). This variant has not been reported in the literature in individuals with KIAA1549-related conditions. Algorithms developed to predict the effect of missense changes on protein structure and function (SIFT, PolyPhen-2, Align-GVGD) all suggest that this variant is likely to be disruptive, but these predictions have not been confirmed by published functional studies and their clinical significance is uncertain. In summary, the available evidence is currently insufficient to determine the role of this variant in disease. Therefore, it has been classified as a Variant of Uncertain Significance.

NM_001164665.2(KIAA1549):c.4793C>G (p.Ser1598Cys)

Gene: KIAA1549 (KIAA1549; minus strand). Cytogenetic location: 7q34.
Variant type: single nucleotide variant.
Coding change: c.4793C>G on transcript NM_001164665.2 (MANE Select); coding-DNA position 4793, C replaced by G.
Protein change: p.Ser1598Cys; replaces serine 1598 with cysteine.
Molecular consequence: missense variant.
Genome position (GRCh38, 1-based): chr7:138,868,111, G>C on the plus strand (C>G on the coding strand, the complement: KIAA1549 is on the minus strand). VCF-style: chr7-138868111-G-C. GRCh37 (hg19) VCF-style: chr7-138552857-G-C.
Other names: c.4793C>G, p.Ser1598Cys (NM_020910.3); short protein forms S1598C.
Identifiers: ClinVar variation 1052597 (VCV001052597.8), dbSNP rs1280447639, ClinGen allele CA369397927.